The following is an entry in ClinVar:

NM_001366207.1(DLG1):c.1189C>T (p.His397Tyr)

Gene: DLG1 (discs large MAGUK scaffold protein 1; minus strand). Cytogenetic location: 3q29.
Variant type: single nucleotide variant.
Coding change: c.1189C>T on transcript NM_001366207.1 (MANE Select); coding-DNA position 1189, C replaced by T.
Protein change: p.His397Tyr; replaces histidine 397 with tyrosine.
Molecular consequence: missense variant. On other transcripts: non-coding transcript variant (4).
Genome position (GRCh38, 1-based): chr3:197,119,507, G>A on the plus strand (C>T on the coding strand, the complement: DLG1 is on the minus strand). VCF-style: chr3-197119507-G-A. GRCh37 (hg19) VCF-style: chr3-196846378-G-A.
Other names: c.1288C>T, p.His430Tyr (NM_001098424.1, NM_001290983.2, NM_001366214.1 and 2 more transcripts); c.1189C>T, p.His397Tyr (NM_001204386.1, NM_001363865.1, NM_001366204.1 and 9 more transcripts); c.940C>T, p.His314Tyr (NM_001204387.2, NM_001204388.2); c.1135C>T, p.His379Tyr (NM_001366203.1, NM_001366206.1, NM_001366216.1 and 2 more transcripts); c.1039C>T, p.His347Tyr (NM_001366221.1, NM_001366222.1); short protein forms H314Y, H430Y, H379Y, H397Y, H347Y.
Identifiers: ClinVar variation 4978794 (VCV004978794.1).

ClinVar aggregate classification (germline): Uncertain significance (1 of 4 stars; one submission).

Conditions:
DLG1-related disorder. Also called: DLG1-related condition.

gnomAD v4.1: 75 of 1,609,572 alleles (0.0047%); highest among the groups gnomAD compares: Non-Finnish European, 0.0063%; no homozygotes.

Submission:

PreventionGenetics, part of Exact Sciences
Classification: Uncertain significance for DLG1-related condition. Last evaluated: 2025-08-05. Review status: criteria provided, single submitter. Criteria: ACMG Guidelines, 2015. Collection method: clinical testing. Allele origin: germline.
Comment: The DLG1 c.1288C>T variant is predicted to result in the amino acid substitution p.His430Tyr. To our knowledge, this variant has not been reported in the literature. This variant is reported in 0.0035% of alleles in individuals of European (Non-Finnish) descent in gnomAD. At this time, the clinical significance of this variant is uncertain due to the absence of conclusive functional and genetic evidence.